The following is an entry in ClinVar:

NM_004260.4(RECQL4):c.3482C>T (p.Ala1161Val)

Gene: RECQL4 (RecQ like helicase 4; minus strand). Cytogenetic location: 8q24.3.
Variant type: single nucleotide variant.
Coding change: c.3482C>T on transcript NM_004260.4 (MANE Select); coding-DNA position 3482, C replaced by T.
Protein change: p.Ala1161Val; replaces alanine 1161 with valine.
Molecular consequence: missense variant.
Genome position (GRCh38, 1-based): chr8:144,511,701, G>A on the plus strand (C>T on the coding strand, the complement: RECQL4 is on the minus strand). VCF-style: chr8-144511701-G-A. GRCh37 (hg19) VCF-style: chr8-145737084-G-A.
Other names: short protein forms A1161V.
Identifiers: ClinVar variation 853917 (VCV000853917.6), dbSNP rs1827237447, ClinGen allele CA372666609.
Genomic context (GRCh38, chr8:144,511,701, plus strand): 5'-CAGCCCCAGCCTGCAGCGGGTGGGGCCTCCCAGGCCTCACCGATGCCGTGGAAGATGCGG[G>A]CCACAGCCCTGCTGGAGAACTTCTCCTCTGGCCTCAGGGACAGGAACTGGCGGATGTCGC-3'
Protein context (NP_004251.4, residues 1151-1171): PEEKFSSRAV[Ala1161Val]RIFHGIGSPC

ClinVar aggregate classification (germline): Uncertain significance (1 of 4 stars; one submission).

Conditions:
Baller-Gerold syndrome (BGS). Also called: CRANIOSYNOSTOSIS WITH RADIAL DEFECTS. Identifiers: Orphanet 1225, MedGen C0265308, MONDO:0009039, OMIM 218600.

Allele frequency attached by ClinVar (database versions not stated): gnomAD exomes below 0.00001; TOPMed below 0.00001.
gnomAD v4.1: 2 of 1,612,506 alleles (0.00012%); highest among the groups gnomAD compares: Non-Finnish European, 0.00017%; no homozygotes.

Submission:

Labcorp Genetics (formerly Invitae), Labcorp
Classification: Uncertain significance for Baller-Gerold syndrome. Last evaluated: 2025-07-17. Review status: criteria provided, single submitter. Criteria: Invitae Variant Classification Sherloc (09022015). Collection method: clinical testing. Allele origin: germline.
Comment: This sequence change replaces alanine, which is neutral and non-polar, with valine, which is neutral and non-polar, at codon 1161 of the RECQL4 protein (p.Ala1161Val). This variant is not present in population databases (gnomAD no frequency). This variant has not been reported in the literature in individuals affected with RECQL4-related conditions. ClinVar contains an entry for this variant (Variation ID: 853917). Invitae Evidence Modeling of protein sequence and biophysical properties (such as structural, functional, and spatial information, amino acid conservation, physicochemical variation, residue mobility, and thermodynamic stability) indicates that this missense variant is expected to disrupt RECQL4 protein function with a positive predictive value of 80%. In summary, the available evidence is currently insufficient to determine the role of this variant in disease. Therefore, it has been classified as a Variant of Uncertain Significance.